The following is an entry in ClinVar:

ClinVar aggregate classification (germline): Uncertain significance (1 of 4 stars; one submission).

Conditions:
Intellectual developmental disorder, autosomal dominant 44, with microcephaly. Also called: TRIO-Related Intellectual Disability; Micrognathia-recurrent infections-behavioral abnormalities-mild intellectual disability syndrome. Identifiers: Orphanet 476126, MedGen C4310740, MONDO:0014892, OMIM 617061.

gnomAD v4.1: 1 of 1,614,224 alleles (0.000062%); highest among the groups gnomAD compares: Non-Finnish European, 0.000085%; no homozygotes.

Submission:

Pittsburgh Clinical Genomics Laboratory, University of Pittsburgh Medical Center
Classification: Uncertain significance for Intellectual developmental disorder, autosomal dominant 44, with microcephaly. Last evaluated: 2023-04-14. Review status: criteria provided, single submitter. Criteria: ACMG Guidelines, 2015. Collection method: clinical testing. Allele origin: germline. Inheritance: Autosomal dominant inheritance. Affected: yes.
Comment: This sequence variant is a single nucleotide substitution (G>A) at coding position 1985 of the TRIO gene that results in an arginine to histidine amino acid change at residue 662 of the TRIO protein. This is a novel variant that has not been previously reported to databases of clinically relevant variants or observed in the literature in individuals with TRIO-related disorders, to our knowledge. This variant is absent from the gnomAD population database (0 of ~250,000 alleles). Multiple bioinformatic tools predict that this variant would be damaging, and the Arg662 residue is highly conserved across the vertebrate species examined. Functiol studies testing the effect of this variant have not been performed, to our knowledge. At this time, there is insufficient evidence to determine if this variant is pathogenic or benign. Therefore, we consider this to be a variant of uncertain significance. ACMG Criteria: PM2, PP3

NM_007118.4(TRIO):c.1985G>A (p.Arg662His)

Gene: TRIO (trio Rho guanine nucleotide exchange factor; plus strand). Cytogenetic location: 5p15.2.
Variant type: single nucleotide variant.
Coding change: c.1985G>A on transcript NM_007118.4 (MANE Select); coding-DNA position 1985, G replaced by A.
Protein change: p.Arg662His; replaces arginine 662 with histidine.
Molecular consequence: missense variant. On other transcripts: non-coding transcript variant (1).
Genome position (GRCh38, 1-based): chr5:14,336,666, G>A. VCF-style: chr5-14336666-G-A. GRCh37 (hg19) VCF-style: chr5-14336775-G-A.
Other names: short protein forms R662H.
Identifiers: ClinVar variation 3376335 (VCV003376335.1).
Genomic context (GRCh38, chr5:14,336,666, plus strand): 5'-CCGAAGAGATTTATCAGGCTGCCCATCAGCTGGAAGACCGGATTCAAGATTTCGTTCGGC[G>A]TGTTGAGCAGCGAAAGATCCTACTGGACATGTCAGTGTCCTTTCACACCCATGTGAAAGA-3'
Protein context (NP_009049.2, residues 652-672): LEDRIQDFVR[Arg662His]VEQRKILLDM